The following is an entry in ClinVar:

NM_000426.4(LAMA2):c.1884+1G>T

Gene: LAMA2 (laminin subunit alpha 2; plus strand). Cytogenetic location: 6q22.33.
Variant type: single nucleotide variant.
Coding change: c.1884+1G>T on transcript NM_000426.4 (MANE Select); the canonical splice donor site of the intron after coding-DNA position 1884, G replaced by T.
Molecular consequence: splice donor variant.
Genome position (GRCh38, 1-based): chr6:129,250,214, G>T. VCF-style: chr6-129250214-G-T. GRCh37 (hg19) VCF-style: chr6-129571359-G-T.
Other names: c.1884+1G>T (NM_001079823.2).
Identifiers: ClinVar variation 2759136 (VCV002759136.3), dbSNP rs2114276718, ClinGen allele CA365609685.

ClinVar aggregate classification (germline): Likely pathogenic (1 of 4 stars; one submission).

Conditions:
LAMA2-related muscular dystrophy (LAMA2-RD). Also called: Laminin alpha 2-related dystrophy. Identifiers: MedGen C5679788, MONDO:0100228.

Submission:

Labcorp Genetics (formerly Invitae), Labcorp
Classification: Likely pathogenic for LAMA2-related muscular dystrophy. Last evaluated: 2023-09-08. Review status: criteria provided, single submitter. Criteria: Invitae Variant Classification Sherloc (09022015). Collection method: clinical testing. Allele origin: germline.
Comment: This variant is not present in population databases (gnomAD no frequency). This variant has not been reported in the literature in individuals affected with LAMA2-related conditions. Algorithms developed to predict the effect of sequence changes on RNA splicing suggest that this variant may disrupt the consensus splice site. In summary, the currently available evidence indicates that the variant is pathogenic, but additional data are needed to prove that conclusively. Therefore, this variant has been classified as Likely Pathogenic. This sequence change affects a donor splice site in intron 13 of the LAMA2 gene. It is expected to disrupt RNA splicing. Variants that disrupt the donor or acceptor splice site typically lead to a loss of protein function (PMID: 16199547), and loss-of-function variants in LAMA2 are known to be pathogenic (PMID: 18700894, 32904964).

Literature cited by the submitters: PubMed 16199547; PubMed 18700894; PubMed 32904964.